The following is an entry in ClinVar:

NM_001396959.1(TBC1D1):c.3177C>T (p.Tyr1059=)

Gene: TBC1D1 (TBC1 domain family member 1; plus strand). Cytogenetic location: 4p14.
Variant type: single nucleotide variant.
Coding change: c.3177C>T on transcript NM_001396959.1 (MANE Select); coding-DNA position 3177, C replaced by T.
Protein change: p.Tyr1059=; no amino-acid change (tyrosine 1059 retained).
Molecular consequence: synonymous variant. On other transcripts: intron variant (1).
Genome position (GRCh38, 1-based): chr4:38,118,125, C>T. VCF-style: chr4-38118125-C-T. GRCh37 (hg19) VCF-style: chr4-38119746-C-T.
Other names: c.186C>T, p.Tyr62= (NM_001253913.2, NM_001253914.2); c.2895C>T, p.Tyr965= (NM_015173.4); c.3084+2171C>T (NM_001253912.2).
Identifiers: ClinVar variation 3388869 (VCV003388869.14).

ClinVar aggregate classification (germline): Likely benign (1 of 4 stars; one submission).

gnomAD v4.1: 90 of 1,614,098 alleles (0.0056%); highest among the groups gnomAD compares: Non-Finnish European, 0.0074%; no homozygotes.

Submission:

CeGaT Center for Human Genetics Tuebingen
Classification: Likely benign. Last evaluated: 2024-09-01. Review status: criteria provided, single submitter. Criteria: CeGaT Center For Human Genetics Tuebingen Variant Classification Criteria Version 2. Collection method: clinical testing. Allele origin: germline. Affected: yes. Observed: 1 variant allele.
Comment: TBC1D1: BP4, BP7